The following is an entry in ClinVar:

NM_006206.6(PDGFRA):c.3004G>A (p.Asp1002Asn)

Gene: PDGFRA (platelet derived growth factor receptor alpha; plus strand). Cytogenetic location: 4q12.
Variant type: single nucleotide variant.
Coding change: c.3004G>A on transcript NM_006206.6 (MANE Select); coding-DNA position 3004, G replaced by A.
Protein change: p.Asp1002Asn; replaces aspartic acid 1002 with asparagine.
Molecular consequence: missense variant.
Genome position (GRCh38, 1-based): chr4:54,290,436, G>A. VCF-style: chr4-54290436-G-A. GRCh37 (hg19) VCF-style: chr4-55156603-G-A.
Other names: c.3079G>A, p.Asp1027Asn (NM_001347828.2); c.3004G>A, p.Asp1002Asn (NM_001347829.2); c.3043G>A, p.Asp1015Asn (NM_001347830.2); short protein forms D1002N, D1015N, D1027N.
Identifiers: ClinVar variation 407394 (VCV000407394.13), dbSNP rs200676118, ClinGen allele CA16611654.

ClinVar aggregate classification (germline): Uncertain significance (1 of 4 stars; one submission).

Conditions:
Gastrointestinal stromal tumor. Also called: Gastrointestinal stromal tumor, somatic; Gastrointestinal stroma tumor. Identifiers: Orphanet 44890, MedGen C0238198, MeSH D046152, MONDO:0011719, OMIM 606764, HP:0100723.

Submission:

Labcorp Genetics (formerly Invitae), Labcorp
Classification: Uncertain significance for Gastrointestinal stromal tumor. Last evaluated: 2021-08-27. Review status: criteria provided, single submitter. Criteria: Invitae Variant Classification Sherloc (09022015). Collection method: clinical testing. Allele origin: germline.
Comment: This sequence change replaces aspartic acid with asparagine at codon 1002 of the PDGFRA protein (p.Asp1002Asn). The aspartic acid residue is moderately conserved and there is a small physicochemical difference between aspartic acid and asparagine. This variant is not present in population databases (ExAC no frequency). This variant has not been reported in the literature in individuals affected with PDGFRA-related conditions. Algorithms developed to predict the effect of missense changes on protein structure and function (SIFT, PolyPhen-2, Align-GVGD) all suggest that this variant is likely to be tolerated. In summary, the available evidence is currently insufficient to determine the role of this variant in disease. Therefore, it has been classified as a Variant of Uncertain Significance.